The following is an entry in ClinVar:

NM_004448.4(ERBB2):c.1096G>C (p.Gly366Arg)

Gene: ERBB2 (erb-b2 receptor tyrosine kinase 2; plus strand). Cytogenetic location: 17q12.
Variant type: single nucleotide variant.
Coding change: c.1096G>C on transcript NM_004448.4 (MANE Select); coding-DNA position 1096, G replaced by C.
Protein change: p.Gly366Arg; replaces glycine 366 with arginine.
Molecular consequence: missense variant. On other transcripts: non-coding transcript variant (1).
Genome position (GRCh38, 1-based): chr17:39,712,396, G>C. VCF-style: chr17-39712396-G-C. GRCh37 (hg19) VCF-style: chr17-37868649-G-C.
Other names: c.1006G>C, p.Gly336Arg (NM_001005862.3, NM_001289938.2, NM_001382782.1 and 1 more transcripts); c.1051G>C, p.Gly351Arg (NM_001289936.2); c.1096G>C, p.Gly366Arg (NM_001289937.2, NM_001382784.1, NM_001382785.1 and 16 more transcripts); c.1171G>C, p.Gly391Arg (NM_001382787.1); c.1087G>C, p.Gly363Arg (NM_001382791.1); c.916G>C, p.Gly306Arg (NM_001382799.1); c.838G>C, p.Gly280Arg (NM_001382802.1); c.268G>C, p.Gly90Arg (NM_001382804.1); short protein forms G351R, G90R, G336R, G363R, G391R, G280R, G306R, G366R.
Identifiers: ClinVar variation 1350118 (VCV001350118.8), dbSNP rs767588058, ClinGen allele CA8533864.

ClinVar aggregate classification (germline): Uncertain significance (1 of 4 stars; one submission).

Allele frequency attached by ClinVar (database versions not stated): ExAC 0.00001; gnomAD exomes 0.00001 and 0.00003; TOPMed 0.00002; gnomAD 0.00003.
gnomAD v4.1: 42 of 1,613,854 alleles (0.0026%); highest among the groups gnomAD compares: Non-Finnish European, 0.0032%; no homozygotes.

Submission:

Labcorp Genetics (formerly Invitae), Labcorp
Classification: Uncertain significance. Last evaluated: 2022-07-19. Review status: criteria provided, single submitter. Criteria: Invitae Variant Classification Sherloc (09022015). Collection method: clinical testing. Allele origin: germline.
Comment: In summary, the available evidence is currently insufficient to determine the role of this variant in disease. Therefore, it has been classified as a Variant of Uncertain Significance. Algorithms developed to predict the effect of missense changes on protein structure and function are either unavailable or do not agree on the potential impact of this missense change (SIFT: "Deleterious"; PolyPhen-2: "Benign"; Align-GVGD: "Class C0"). ClinVar contains an entry for this variant (Variation ID: 1350118). This variant has not been reported in the literature in individuals affected with ERBB2-related conditions. This variant is present in population databases (rs767588058, gnomAD 0.004%). This sequence change replaces glycine, which is neutral and non-polar, with arginine, which is basic and polar, at codon 366 of the ERBB2 protein (p.Gly366Arg).